The following is an entry in ClinVar:

NM_020944.3(GBA2):c.2303_2304delinsAC (p.Gly768Asp)

Gene: GBA2 (glucosylceramidase beta 2; minus strand). Cytogenetic location: 9p13.3.
Variant type: Indel.
Coding change: c.2303_2304delinsAC on transcript NM_020944.3 (MANE Select); coding-DNA positions 2303 to 2304, GA replaced by AC.
Protein change: p.Gly768Asp; replaces glycine 768 with aspartic acid.
Molecular consequence: missense variant.
Genome position (GRCh38, 1-based): chr9:35,738,046-35,738,047, TC replaced by GT on the plus strand (GA replaced by AC on the coding strand, the reverse complement: GBA2 is on the minus strand). VCF-style: chr9-35738046-TC-GT. GRCh37 (hg19) VCF-style: chr9-35738043-TC-GT.
Other names: c.2303_2304delinsAC, p.Gly768Asp (NM_001330660.2); short protein forms G768D.
Identifiers: ClinVar variation 4703161 (VCV004703161.1).

ClinVar aggregate classification (germline): Uncertain significance (1 of 4 stars; one submission).

Conditions:
Spastic paraplegia. Identifiers: MedGen C0037772, HP:0001258.

Submission:

Labcorp Genetics (formerly Invitae), Labcorp
Classification: Uncertain significance for Spastic paraplegia. Last evaluated: 2026-01-08. Review status: criteria provided, single submitter. Criteria: Invitae Variant Classification Sherloc (09022015). Collection method: clinical testing. Allele origin: germline.
Comment: This sequence change replaces glycine, which is neutral and non-polar, with aspartic acid, which is acidic and polar, at codon 768 of the GBA2 protein (p.Gly768Asp). Information on the frequency of this variant in the gnomAD database is not available, as this variant may be reported differently in the database. This variant has not been reported in the literature in individuals affected with GBA2-related conditions. An algorithm developed to predict the effect of missense changes on protein structure and function (PolyPhen-2) suggests that this variant is likely to be tolerated. In summary, the available evidence is currently insufficient to determine the role of this variant in disease. Therefore, it has been classified as a Variant of Uncertain Significance.